The following is an entry in ClinVar:

NM_000059.4(BRCA2):c.7631G>A (p.Gly2544Asp)

Gene: BRCA2 (BRCA2 DNA repair associated; plus strand). Cytogenetic location: 13q13.1.
Variant type: single nucleotide variant.
Coding change: c.7631G>A on transcript NM_000059.4 (MANE Select); coding-DNA position 7631, G replaced by A.
Protein change: p.Gly2544Asp; replaces glycine 2544 with aspartic acid.
Molecular consequence: missense variant.
Genome position (GRCh38, 1-based): chr13:32,357,755, G>A. VCF-style: chr13-32357755-G-A. GRCh37 (hg19) VCF-style: chr13-32931892-G-A.
Other names: short protein forms G2544D.
Identifiers: ClinVar variation 52373 (VCV000052373.19), dbSNP rs397507926, ClinGen allele CA025201.

ClinVar aggregate classification (germline): Conflicting classifications of pathogenicity. Review status: criteria provided, conflicting classifications (1 of 4 stars). 7 submissions from 7 submitters: Uncertain significance (4); Likely benign (1). 2 of the submissions do not count toward it. Last evaluated 2025-12-09.

Conditions:
Hereditary breast ovarian cancer syndrome. Also called: Hereditary breast and ovarian cancer syndrome; Hereditary breast and ovarian cancer; Hereditary breast and ovarian cancer syndrome (HBOC); Breast and ovarian cancer; Hereditary breast and/or ovarian cancer syndrome; BRCA1- and BRCA2-Associated Hereditary Breast and Ovarian Cancer. Identifiers: Orphanet 145, MedGen C0677776, MeSH D061325, MONDO:0003582. Disease mechanism: loss of function.
Hereditary cancer-predisposing syndrome. Also called: Neoplastic Syndromes, Hereditary; Tumor predisposition; Hereditary neoplastic syndrome; Hereditary Cancer Syndrome. Identifiers: Orphanet 140162, MedGen C0027672, MeSH D009386, MONDO:0015356.
Breast-ovarian cancer, familial, susceptibility to, 2 (BROVCA2). Also called: BRCA2 Hereditary Breast and Ovarian Cancer. Identifiers: Orphanet 145, MedGen C2675520, MONDO:0012933, OMIM 612555. Disease mechanism: loss of function.
Familial cancer of breast. Also called: BREAST CANCER, FAMILIAL; Hereditary breast cancer; hereditary breast carcinoma. Identifiers: Orphanet 227535, MedGen C0346153, MONDO:0016419, OMIM 114480. Disease mechanism: loss of function.

gnomAD v4.1: 1 of 1,612,540 alleles (0.000062%); no homozygotes.

Submissions (7):

Labcorp Genetics (formerly Invitae), Labcorp
Classification: Uncertain significance for Hereditary breast ovarian cancer syndrome. Last evaluated: 2025-12-09. Review status: criteria provided, single submitter. Criteria: Invitae Variant Classification Sherloc (09022015). Collection method: clinical testing. Allele origin: germline.
Comment: This sequence change replaces glycine, which is neutral and non-polar, with aspartic acid, which is acidic and polar, at codon 2544 of the BRCA2 protein (p.Gly2544Asp). This variant is present in population databases (rs397507926, gnomAD no frequency). This missense change has been observed in individual(s) with breast cancer and/or ovarian cancer (PMID: 18006916, 26221963, 28664506, 28993434, 29263802, 32101877, 35918668). ClinVar contains an entry for this variant (Variation ID: 52373). Invitae Evidence Modeling of protein sequence and biophysical properties (such as structural, functional, and spatial information, amino acid conservation, physicochemical variation, residue mobility, and thermodynamic stability) has been performed for this missense variant. However, the output from this modeling did not meet the statistical confidence thresholds required to predict the impact of this variant on BRCA2 protein function. In summary, the available evidence is currently insufficient to determine the role of this variant in disease. Therefore, it has been classified as a Variant of Uncertain Significance.

Color Diagnostics, LLC DBA Color Health
Classification: Uncertain significance for Hereditary cancer-predisposing syndrome. Last evaluated: 2025-05-30. Review status: criteria provided, single submitter. Criteria: ACMG Guidelines, 2015. Collection method: clinical testing. Allele origin: germline.
Comment: This missense variant replaces glycine with aspartic acid at codon 2544 of the BRCA2 protein. Computational prediction suggests that this variant may have deleterious impact on protein structure and function. Functional studies have reported that this variant does not impact BRCA2 function in a sensitivity assay to carboplatin and in a haploid cell proliferation assay (PMID: 32444794, 39779857). This variant has been reported in at least four individuals affected with breast cancer and an individual affected with ovarian cancer, as well as in three unaffected control individuals (PMID: 18006916, 28993434, 31706072, 32101877). This variant also has been detected in a breast cancer case-control meta-analysis in 6/60466 cases and 6/53461 unaffected individuals (PMID: 33471991Leiden Open Variation Database DB-ID BRCA2_003778). This variant has not been identified in the general population by the Genome Aggregation Database (gnomAD). The available evidence is insufficient to determine the role of this variant in disease conclusively. Therefore, this variant is classified as a Variant of Uncertain Significance.

Quest Diagnostics Nichols Institute San Juan Capistrano
Classification: Uncertain significance. Last evaluated: 2023-09-21. Review status: criteria provided, single submitter. Criteria: Quest Diagnostics criteria. Collection method: clinical testing. Allele origin: unknown.
Comment: In the published literature, this variant has been reported in individuals affected with breast cancer (PMID: 18006916 (2007), 28664506 (2017), 28993434 (2018), 31706072 (2020), 33471991 (2021), see also LOVD), and ovarian cancer (PMID: 32101877 (2019)). This variant has also been reported in unaffected individuals (PMID: 28993434 (2018), 33471991 (2021), see also LOVD). This variant has not been reported in large, multi-ethnic general populations (Genome Aggregation Database). Analysis of this variant using bioinformatics tools for the prediction of the effect of amino acid changes on protein structure and function yielded predictions that this variant is damaging. Based on the available information, we are unable to determine the clinical significance of this variant.

GeneDx
Classification: Uncertain significance. Last evaluated: 2022-10-10. Review status: criteria provided, single submitter. Criteria: GeneDx Variant Classification Process June 2021. Collection method: clinical testing. Allele origin: germline. Affected: yes.
Comment: Not observed at significant frequency in large population cohorts (gnomAD); In silico analysis supports that this missense variant does not alter protein structure/function; Also known as 7859G>A; Observed in individuals with a personal and/or family history of breast or ovarian cancer, as well as in unaffected controls (Ang et al., 2007; Yang et al., 2017; Wen et al., 2018; Wu et al., 2019); This variant is associated with the following publications: (PMID: 18006916, 12228710, 32101877, 28664506, 28993434)

Ambry Genetics
Classification: Likely benign for Hereditary cancer-predisposing syndrome. Last evaluated: 2022-01-03. Review status: criteria provided, single submitter. Criteria: Ambry Variant Classification Scheme 2023. Collection method: clinical testing. Allele origin: germline.

BRCAlab, Lund University
Classification: Uncertain significance for Breast-ovarian cancer, familial, susceptibility to, 2. Last evaluated: 2020-03-02. Review status: no assertion criteria provided. Collection method: clinical testing. Allele origin: germline. Affected: yes. Not counted in ClinVar's aggregate classification.

Center for Precision Medicine, Meizhou People's Hospital
Classification: Uncertain significance for Familial cancer of breast. Review status: no assertion criteria provided. Collection method: literature only. Allele origin: germline. Affected: yes. Not counted in ClinVar's aggregate classification.

Literature cited by the submitters: PubMed 18006916 (cited by 5 submitters); PubMed 26221963 (cited by Labcorp Genetics (formerly Invitae), Labcorp and Ambry Genetics); PubMed 28664506 (cited by 3 submitters); PubMed 28993434 (cited by 4 submitters); PubMed 29263802 (cited by Labcorp Genetics (formerly Invitae), Labcorp); PubMed 32101877 (cited by 4 submitters); PubMed 35918668 (cited by Labcorp Genetics (formerly Invitae), Labcorp); PubMed 31706072 (cited by 3 submitters); PubMed 32444794 (cited by Color Diagnostics, LLC DBA Color Health); PubMed 33471991 (cited by Color Diagnostics, LLC DBA Color Health and Quest Diagnostics Nichols Institute San Juan Capistrano); PubMed 39779857 (cited by Color Diagnostics, LLC DBA Color Health).